The following is an entry in ClinVar:

NM_003242.6(TGFBR2):c.568C>T (p.Arg190Cys)

Gene: TGFBR2 (transforming growth factor beta receptor 2; plus strand). Cytogenetic location: 3p24.1.
Variant type: single nucleotide variant.
Coding change: c.568C>T on transcript NM_003242.6 (MANE Select); coding-DNA position 568, C replaced by T.
Protein change: p.Arg190Cys; replaces arginine 190 with cysteine.
Molecular consequence: missense variant. On other transcripts: intron variant (1).
Genome position (GRCh38, 1-based): chr3:30,671,751, C>T. VCF-style: chr3-30671751-C-T. GRCh37 (hg19) VCF-style: chr3-30713243-C-T.
Other names: c.643C>T, p.Arg215Cys (NM_001024847.3); c.751C>T, p.Arg251Cys (NM_001407126.1); c.676C>T, p.Arg226Cys (NM_001407127.1); c.595C>T, p.Arg199Cys (NM_001407128.1); c.571C>T, p.Arg191Cys (NM_001407129.1); c.568C>T, p.Arg190Cys (NM_001407130.1); c.463C>T, p.Arg155Cys (NM_001407132.1, NM_001407133.1, NM_001407134.1 and 2 more transcripts); c.283C>T, p.Arg95Cys (NM_001407137.1); and 2 more; short protein forms R191C, R199C, R95C, R215C, R226C, R70C, R190C, R251C.
Identifiers: ClinVar variation 3455845 (VCV003455845.3).

ClinVar aggregate classification (germline): Uncertain significance. Review status: criteria provided, multiple submitters, no conflicts (2 of 4 stars). 2 submissions from 2 submitters: Uncertain significance (2). Last evaluated 2024-10-08.

Conditions:
Familial thoracic aortic aneurysm and aortic dissection (TAAD). Also called: Thoracic aortic aneurysms and dissections. Identifiers: Orphanet 91387, MedGen C4707243, MONDO:0019625.

gnomAD v4.1: 8 of 1,614,102 alleles (0.0005%); highest among the groups gnomAD compares: South Asian, 0.0011%; no homozygotes.

Submissions (2):

Ambry Genetics
Classification: Uncertain significance for Familial thoracic aortic aneurysm and aortic dissection. Last evaluated: 2024-10-08. Review status: criteria provided, single submitter. Criteria: Ambry Variant Classification Scheme 2023. Collection method: clinical testing. Allele origin: germline.
Comment: The p.R190C variant (also known as c.568C>T), located in coding exon 4 of the TGFBR2 gene, results from a C to T substitution at nucleotide position 568. The arginine at codon 190 is replaced by cysteine, an amino acid with highly dissimilar properties. This amino acid position is conserved. In addition, this alteration is predicted to be deleterious by in silico analysis. Based on the available evidence, the clinical significance of this variant remains unclear.

Labcorp Genetics (formerly Invitae), Labcorp
Classification: Uncertain significance for Familial thoracic aortic aneurysm and aortic dissection. Last evaluated: 2024-09-23. Review status: criteria provided, single submitter. Criteria: Invitae Variant Classification Sherloc (09022015). Collection method: clinical testing. Allele origin: germline.
Comment: This sequence change replaces arginine, which is basic and polar, with cysteine, which is neutral and slightly polar, at codon 190 of the TGFBR2 protein (p.Arg190Cys). This variant is present in population databases (rs758703490, gnomAD 0.006%). This variant has not been reported in the literature in individuals affected with TGFBR2-related conditions. Invitae Evidence Modeling of protein sequence and biophysical properties (such as structural, functional, and spatial information, amino acid conservation, physicochemical variation, residue mobility, and thermodynamic stability) has been performed for this missense variant. However, the output from this modeling did not meet the statistical confidence thresholds required to predict the impact of this variant on TGFBR2 protein function. In summary, the available evidence is currently insufficient to determine the role of this variant in disease. Therefore, it has been classified as a Variant of Uncertain Significance.